The following is an entry in ClinVar:

NM_000321.3(RB1):c.1684G>A (p.Ala562Thr)

Gene: RB1 (RB transcriptional corepressor 1; plus strand). Cytogenetic location: 13q14.2.
Variant type: single nucleotide variant.
Coding change: c.1684G>A on transcript NM_000321.3 (MANE Select); coding-DNA position 1684, G replaced by A.
Protein change: p.Ala562Thr; replaces alanine 562 with threonine.
Molecular consequence: missense variant.
Genome position (GRCh38, 1-based): chr13:48,381,432, G>A. VCF-style: chr13-48381432-G-A. GRCh37 (hg19) VCF-style: chr13-48955568-G-A.
Other names: short protein forms A562T.
Identifiers: ClinVar variation 1692377 (VCV001692377.1), dbSNP rs2138145788, ClinGen allele CA388164047.

ClinVar aggregate classification (germline): Uncertain significance (1 of 4 stars; one submission).

Conditions:
Hereditary cancer-predisposing syndrome. Also called: Hereditary Cancer Syndrome; Hereditary neoplastic syndrome; Neoplastic Syndromes, Hereditary; Tumor predisposition. Identifiers: Orphanet 140162, MedGen C0027672, MeSH D009386, MONDO:0015356.

Submission:

Sema4
Classification: Uncertain significance for Hereditary cancer-predisposing syndrome. Last evaluated: 2021-05-12. Review status: criteria provided, single submitter. Criteria: Sema4 Curation Guidelines. Collection method: curation. Allele origin: germline.
Comment: The RB1 c.1684G>A (p.A562T) variant has not been reported in the literature to our knowledge. It was not observed in the large and broad cohorts of the Genome Aggregation Database. The variant has not been reported in ClinVar. In silico tools suggest the impact of the variant on protein function is deleterious, though these predictions have not been confirmed by functional studies. The evidence is insufficient to meet ACMG/AMP criteria for classifying the variant as benign or pathogenic. Thus, the clinical significance of this variant is currently uncertain.